The following is an entry in ClinVar:

NM_032607.3(CREB3L3):c.989C>T (p.Ser330Phe)

Gene: CREB3L3 (cAMP responsive element binding protein 3 like 3; plus strand). Cytogenetic location: 19p13.3.
Variant type: single nucleotide variant.
Coding change: c.989C>T on transcript NM_032607.3 (MANE Select); coding-DNA position 989, C replaced by T.
Protein change: p.Ser330Phe; replaces serine 330 with phenylalanine.
Molecular consequence: missense variant. On other transcripts: synonymous variant (1).
Genome position (GRCh38, 1-based): chr19:4,171,396, C>T. VCF-style: chr19-4171396-C-T. GRCh37 (hg19) VCF-style: chr19-4171393-C-T.
Other names: c.986C>T, p.Ser329Phe (NM_001271995.2); c.983C>T, p.Ser328Phe (NM_001271996.2); c.882C>T, p.Val294= (NM_001271997.2); short protein forms S328F, S329F, S330F.
Identifiers: ClinVar variation 4798247 (VCV004798247.1).
Genomic context (GRCh38, chr19:4,171,396, plus strand): 5'-TGCAGGGGAGGGGAGGGAGGGGGTGACTCTGCCGCTGTCTCCACCAGGTCCTGTTGCTGT[C>T]CTTTGCCCTCATCATCCTCCCCTCCATCAGCCCTTTTGGCCCCAACAAAACCGAGAGCCC-3'
Protein context (NP_115996.1, residues 320-340): TGTCVAVLLL[Ser330Phe]FALIILPSIS

ClinVar aggregate classification (germline): Uncertain significance (1 of 4 stars; one submission).

Submission:

Labcorp Genetics (formerly Invitae), Labcorp
Classification: Uncertain significance. Last evaluated: 2025-10-08. Review status: criteria provided, single submitter. Criteria: Invitae Variant Classification Sherloc (09022015). Collection method: clinical testing. Allele origin: germline.
Comment: This sequence change replaces serine, which is neutral and polar, with phenylalanine, which is neutral and non-polar, at codon 330 of the CREB3L3 protein (p.Ser330Phe). This variant is present in population databases (no rsID available, gnomAD 0.009%). This variant has not been reported in the literature in individuals affected with CREB3L3-related conditions. Invitae Evidence Modeling of protein sequence and biophysical properties (such as structural, functional, and spatial information, amino acid conservation, physicochemical variation, residue mobility, and thermodynamic stability) indicates that this missense variant is expected to disrupt CREB3L3 protein function with a positive predictive value of 80%. In summary, the available evidence is currently insufficient to determine the role of this variant in disease. Therefore, it has been classified as a Variant of Uncertain Significance.